The following is an entry in ClinVar:

NM_138387.4(G6PC3):c.11C>T (p.Thr4Met)

Gene: G6PC3 (glucose-6-phosphatase catalytic subunit 3; plus strand). Cytogenetic location: 17q21.31.
Variant type: single nucleotide variant.
Coding change: c.11C>T on transcript NM_138387.4 (MANE Select); coding-DNA position 11, C replaced by T.
Protein change: p.Thr4Met; replaces threonine 4 with methionine.
Molecular consequence: missense variant. On other transcripts: 5 prime UTR variant (3), intron variant (1).
Genome position (GRCh38, 1-based): chr17:44,070,976, C>T. VCF-style: chr17-44070976-C-T. GRCh37 (hg19) VCF-style: chr17-42148344-C-T.
Other names: c.11C>T, p.Thr4Met (NM_001319945.2); c.-394C>T (NM_001384165.1); c.-529C>T (NM_001384166.1); c.-519C>T (NM_001384167.1); c.-312+262C>T (NM_001384168.1); c.11C>T (NM_138387.3); short protein forms T4M.
Identifiers: ClinVar variation 1004829 (VCV001004829.23), dbSNP rs750937874, ClinGen allele CA8595872.
Genomic context (GRCh38, chr17:44,070,976, plus strand): 5'-CTGGTTTCCGCCCTGGAGCAAGCCGGGGCCTGGTCGGCAGCTGGGCCGCCATGGAGTCCA[C>T]GCTGGGCGCGGGCATCGTGATAGCCGAGGCGCTACAGAACCAGCTAGCCTGGCTGGAGAA-3'
Protein context (NP_612396.1, residues 1-14): MES[Thr4Met]LGAGIVIAEA

ClinVar aggregate classification (germline): Conflicting classifications of pathogenicity. Review status: criteria provided, conflicting classifications (1 of 4 stars). 3 submissions from 3 submitters: Uncertain significance (2); Likely benign (1). Last evaluated 2024-11-21.

Conditions:
Autosomal recessive severe congenital neutropenia due to G6PC3 deficiency. Also called: G6PC3 Deficiency; NEUTROPENIA, SEVERE CONGENITAL, 4, AUTOSOMAL RECESSIVE. Identifiers: Orphanet 331176, MedGen C2751630, MONDO:0012930, OMIM 612541.
Inborn genetic diseases. Identifiers: MedGen C0950123, MeSH D030342.

Allele frequency attached by ClinVar (database versions not stated): ExAC below 0.00001; gnomAD 0.00001; gnomAD exomes 0.00001; TOPMed 0.00001.

Submissions (3):

Ambry Genetics
Classification: Uncertain significance for Inborn genetic diseases. Last evaluated: 2024-11-21. Review status: criteria provided, single submitter. Criteria: Ambry Variant Classification Scheme 2023. Collection method: clinical testing. Allele origin: germline.
Comment: The p.T4M variant (also known as c.11C>T), located in coding exon 1 of the G6PC3 gene, results from a C to T substitution at nucleotide position 11. The threonine at codon 4 is replaced by methionine, an amino acid with similar properties. This amino acid position is conserved. In addition, this alteration is predicted to be tolerated by in silico analysis. Based on the available evidence, the clinical significance of this variant remains unclear.

CeGaT Center for Human Genetics Tuebingen
Classification: Likely benign. Last evaluated: 2024-08-01. Review status: criteria provided, single submitter. Criteria: CeGaT Center For Human Genetics Tuebingen Variant Classification Criteria Version 2. Collection method: clinical testing. Allele origin: germline. Affected: yes. Observed: 1 variant allele.
Comment: G6PC3: BP4

Labcorp Genetics (formerly Invitae), Labcorp
Classification: Uncertain significance for Autosomal recessive severe congenital neutropenia due to G6PC3 deficiency. Last evaluated: 2021-08-31. Review status: criteria provided, single submitter. Criteria: Invitae Variant Classification Sherloc (09022015). Collection method: clinical testing. Allele origin: germline.
Comment: This sequence change replaces threonine with methionine at codon 4 of the G6PC3 protein (p.Thr4Met). The threonine residue is weakly conserved and there is a moderate physicochemical difference between threonine and methionine. The frequency data for this variant in the population databases is considered unreliable, as metrics indicate poor data quality at this position in the ExAC database. This variant has not been reported in the literature in individuals affected with G6PC3-related conditions. Algorithms developed to predict the effect of missense changes on protein structure and function output the following: SIFT: "Tolerated"; PolyPhen-2: "Benign"; Align-GVGD: "Class C0". The methionine amino acid residue is found in multiple mammalian species, which suggests that this missense change does not adversely affect protein function. In summary, the available evidence is currently insufficient to determine the role of this variant in disease. Therefore, it has been classified as a Variant of Uncertain Significance.